The following is an entry in ClinVar:

NM_012464.5(TLL1):c.1586A>G (p.Asn529Ser)

Gene: TLL1 (tolloid like 1; plus strand). Cytogenetic location: 4q32.3.
Variant type: single nucleotide variant.
Coding change: c.1586A>G on transcript NM_012464.5 (MANE Select); coding-DNA position 1586, A replaced by G.
Protein change: p.Asn529Ser; replaces asparagine 529 with serine.
Molecular consequence: missense variant.
Genome position (GRCh38, 1-based): chr4:166,055,137, A>G. VCF-style: chr4-166055137-A-G. GRCh37 (hg19) VCF-style: chr4-166976289-A-G.
Other names: short protein forms N529S.
Identifiers: ClinVar variation 3353077 (VCV003353077.4).
Genomic context (GRCh38, chr4:166,055,137, plus strand): 5'-TTGAAAGACATGACAATTGTGCTTATGACTACCTGGAAGTTAGAGATGGAACCAGTGAAA[A>G]TAGCCCTTTGATAGGGCGTTTCTGTGGTTATGACAAACCTGAAGACATAAGATCTACCTC-3'
Protein context (NP_036596.3, residues 519-539): YLEVRDGTSE[Asn529Ser]SPLIGRFCGY

ClinVar aggregate classification (germline): Uncertain significance. Review status: criteria provided, multiple submitters, no conflicts (2 of 4 stars). 3 submissions from 3 submitters: Uncertain significance (2). 1 of the submissions does not count toward it. Last evaluated 2026-06-01.

Conditions:
TLL1-related disorder. Also called: TLL1-related condition.

gnomAD v4.1: 38 of 1,613,458 alleles (0.0024%); highest among the groups gnomAD compares: African/African-American, 0.047%; no homozygotes.

Submissions (3):

CeGaT Center for Human Genetics Tuebingen
Classification: Uncertain significance. Last evaluated: 2026-06-01. Review status: criteria provided, single submitter. Criteria: CeGaT Center For Human Genetics Tuebingen Variant Classification Criteria Version 2. Collection method: clinical testing. Allele origin: germline. Affected: yes. Observed: 1 variant allele.
Comment: TLL1: PM2:Supporting, BP4

Ambry Genetics
Classification: Uncertain significance. Last evaluated: 2025-08-20. Review status: criteria provided, single submitter. Criteria: Ambry Variant Classification Scheme 2023. Collection method: clinical testing. Allele origin: germline.

PreventionGenetics, part of Exact Sciences
Classification: Uncertain significance for TLL1-related condition. Last evaluated: 2024-09-24. Review status: no assertion criteria provided. Collection method: clinical testing. Allele origin: germline. Not counted in ClinVar's aggregate classification.
Comment: The TLL1 c.1586A>G variant is predicted to result in the amino acid substitution p.Asn529Ser. To our knowledge, this variant has not been reported in the literature. This variant is reported in 0.036% of alleles in individuals of African descent in gnomAD. Although we suspect that this variant may be benign, at this time, the clinical significance of this variant is uncertain due to the absence of conclusive functional and genetic evidence.